The following is an entry in ClinVar:

ClinVar aggregate classification (germline): Uncertain significance (1 of 4 stars; one submission).

Submission:

Labcorp Genetics (formerly Invitae), Labcorp
Classification: Uncertain significance. Last evaluated: 2020-10-24. Review status: criteria provided, single submitter. Criteria: Invitae Variant Classification Sherloc (09022015). Collection method: clinical testing. Allele origin: germline.
Comment: In summary, the available evidence is currently insufficient to determine the role of this variant in disease. Therefore, it has been classified as a Variant of Uncertain Significance. Experimental studies and prediction algorithms are not available or were not evaluated, and the functional significance of this variant is currently unknown. This variant has not been reported in the literature in individuals with POLA1-related conditions. This variant results in a copy number gain of the genomic region encompassing exon(s) 1-31 of the POLA1 gene. This region includes the initiator codon of the gene. The 5' end of this event is unknown as it extends beyond the assayed region for this gene and therefore may encompass additional genes. The 3' boundary is likely confined to intron 31 of the POLA1 gene. As the precise location of this event is unknown, it may be in tandem or it may be located elsewhere in the genome.

NC_000023.10:g.(?_24712079)_(24839720_?)dup

Gene: POLA1 (DNA polymerase alpha 1, catalytic subunit; plus strand). Cytogenetic location: Xp22.11.
Variant type: Duplication.
Identifiers: ClinVar variation 1054450 (VCV001054450.5).